The following is an entry in ClinVar:

NM_138386.3(NAF1):c.1262A>G (p.Gln421Arg)

Gene: NAF1 (nuclear assembly factor 1 ribonucleoprotein; minus strand). Cytogenetic location: 4q32.2.
Variant type: single nucleotide variant.
Coding change: c.1262A>G on transcript NM_138386.3 (MANE Select); coding-DNA position 1262, A replaced by G.
Protein change: p.Gln421Arg; replaces glutamine 421 with arginine.
Molecular consequence: missense variant. On other transcripts: intron variant (1).
Genome position (GRCh38, 1-based): chr4:163,129,120, T>C on the plus strand (A>G on the coding strand, the complement: NAF1 is on the minus strand). VCF-style: chr4-163129120-T-C. GRCh37 (hg19) VCF-style: chr4-164050272-T-C.
Other names: c.1034-2005A>G (NM_001128931.2); short protein forms Q421R.
Identifiers: ClinVar variation 2967546 (VCV002967546.3), dbSNP rs1048445172, ClinGen allele CA110029823.

ClinVar aggregate classification (germline): Uncertain significance (1 of 4 stars; one submission).

Allele frequency attached by ClinVar (database versions not stated): gnomAD 0.00001; gnomAD exomes 0.00003; TOPMed 0.00001.

Submission:

Labcorp Genetics (formerly Invitae), Labcorp
Classification: Uncertain significance. Last evaluated: 2025-07-31. Review status: criteria provided, single submitter. Criteria: Invitae Variant Classification Sherloc (09022015). Collection method: clinical testing. Allele origin: germline.
Comment: This sequence change replaces glutamine, which is neutral and polar, with arginine, which is basic and polar, at codon 421 of the NAF1 protein (p.Gln421Arg). This variant is present in population databases (no rsID available, gnomAD 0.008%). This variant has not been reported in the literature in individuals affected with NAF1-related conditions. ClinVar contains an entry for this variant (Variation ID: 2967546). An algorithm developed to predict the effect of missense changes on protein structure and function (PolyPhen-2) suggests that this variant is likely to be tolerated. In summary, the available evidence is currently insufficient to determine the role of this variant in disease. Therefore, it has been classified as a Variant of Uncertain Significance.